The following is an entry in ClinVar:

NM_130384.3(ATRIP):c.1936G>T (p.Val646Leu)

Genes: ATRIP (ATR interacting protein; plus strand), ATRIP-TREX1 (ATRIP-TREX1 readthrough; plus strand). Cytogenetic location: 3p21.31.
Variant type: single nucleotide variant.
Coding change: c.1936G>T on transcript NM_130384.3 (MANE Select); coding-DNA position 1936, G replaced by T.
Protein change: p.Val646Leu; replaces valine 646 with leucine.
Molecular consequence: missense variant. On other transcripts: non-coding transcript variant (1).
Genome position (GRCh38, 1-based): chr3:48,464,094, G>T. VCF-style: chr3-48464094-G-T. GRCh37 (hg19) VCF-style: chr3-48505493-G-T.
Other names: c.1555G>T, p.Val519Leu (NM_001271022.2); c.1657G>T, p.Val553Leu (NM_001271023.2); c.1936G>T, p.Val646Leu (NM_032166.4); short protein forms V553L, V519L, V646L.
Identifiers: ClinVar variation 3465152 (VCV003465152.1).

ClinVar aggregate classification (germline): Uncertain significance (1 of 4 stars; one submission).

gnomAD v4.1: 13 of 1,613,878 alleles (0.00081%); highest among the groups gnomAD compares: Non-Finnish European, 0.0011%; no homozygotes.

Submission:

Ambry Genetics
Classification: Uncertain significance. Last evaluated: 2024-12-08. Review status: criteria provided, single submitter. Criteria: Ambry Variant Classification Scheme 2023. Collection method: clinical testing. Allele origin: germline.
Comment: The p.V646L variant (also known as c.1936G>T), located in coding exon 10 of the ATRIP gene, results from a G to T substitution at nucleotide position 1936. The valine at codon 646 is replaced by leucine, an amino acid with highly similar properties. This amino acid position is conserved. In addition, this alteration is predicted to be tolerated by in silico analysis. Based on the available evidence, the clinical significance of this variant remains unclear.